The following is an entry in ClinVar:

NM_000532.5(PCCB):c.1124C>T (p.Ala375Val)

Gene: PCCB (propionyl-CoA carboxylase subunit beta; plus strand). Cytogenetic location: 3q22.3.
Variant type: single nucleotide variant.
Coding change: c.1124C>T on transcript NM_000532.5 (MANE Select); coding-DNA position 1124, C replaced by T.
Protein change: p.Ala375Val; replaces alanine 375 with valine.
Molecular consequence: missense variant.
Genome position (GRCh38, 1-based): chr3:136,326,836, C>T. VCF-style: chr3-136326836-C-T. GRCh37 (hg19) VCF-style: chr3-136045678-C-T.
Other names: c.1184C>T, p.Ala395Val (NM_001178014.2); short protein forms A375V, A395V.
Identifiers: ClinVar variation 939294 (VCV000939294.6), dbSNP rs1576360099, ClinGen allele CA354648529.

ClinVar aggregate classification (germline): Uncertain significance (1 of 4 stars; one submission).

Conditions:
Propionic acidemia (PROP). Also called: GLYCINEMIA, KETOTIC; HYPERGLYCINEMIA WITH KETOACIDOSIS AND LEUKOPENIA; KETOTIC HYPERGLYCINEMIA. Identifiers: Orphanet 35, MedGen C0268579, MONDO:0011628, OMIM 606054, HP:0003571.

gnomAD v4.1: 1 of 1,612,082 alleles (0.000062%); no homozygotes.

Submission:

Labcorp Genetics (formerly Invitae), Labcorp
Classification: Uncertain significance for Propionic acidemia. Last evaluated: 2021-09-01. Review status: criteria provided, single submitter. Criteria: Invitae Variant Classification Sherloc (09022015). Collection method: clinical testing. Allele origin: germline.
Comment: This sequence change replaces alanine with valine at codon 375 of the PCCB protein (p.Ala375Val). The alanine residue is highly conserved and there is a small physicochemical difference between alanine and valine. This variant is not present in population databases (ExAC no frequency). This variant has not been reported in the literature in individuals affected with PCCB-related conditions. ClinVar contains an entry for this variant (Variation ID: 939294). Advanced modeling of experimental studies (such as gene expression, population dynamics, functional pathways, and cell-cycle effects in cell culture) performed at Invitae indicates that this missense variant is expected to disrupt PCCB protein function. Algorithms developed to predict the effect of sequence changes on RNA splicing suggest that this variant may create or strengthen a splice site. In summary, the available evidence is currently insufficient to determine the role of this variant in disease. Therefore, it has been classified as a Variant of Uncertain Significance.